The following is an entry in ClinVar:

ClinVar aggregate classification (germline): Uncertain significance (1 of 4 stars; one submission).

Conditions:
Glutamate formiminotransferase deficiency. Also called: Arakawa syndrome 1; Formiminoglutamic aciduria. Identifiers: Orphanet 51208, MedGen C0268609, MONDO:0009240, OMIM 229100.

Allele frequency attached by ClinVar (database versions not stated): TOPMed below 0.00001; gnomAD 0.00001; gnomAD exomes 0.00001.
gnomAD v4.1: 12 of 1,609,892 alleles (0.00075%); highest among the groups gnomAD compares: Middle Eastern, 0.02%; no homozygotes.

Submission:

Labcorp Genetics (formerly Invitae), Labcorp
Classification: Uncertain significance for Glutamate formiminotransferase deficiency. Last evaluated: 2022-08-01. Review status: criteria provided, single submitter. Criteria: Invitae Variant Classification Sherloc (09022015). Collection method: clinical testing. Allele origin: germline.
Comment: This sequence change replaces alanine, which is neutral and non-polar, with threonine, which is neutral and polar, at codon 22 of the FTCD protein (p.Ala22Thr). This variant is not present in population databases (gnomAD no frequency). This variant has not been reported in the literature in individuals affected with FTCD-related conditions. Algorithms developed to predict the effect of missense changes on protein structure and function are either unavailable or do not agree on the potential impact of this missense change (SIFT: "Deleterious"; PolyPhen-2: "Benign"; Align-GVGD: "Class C55"). In summary, the available evidence is currently insufficient to determine the role of this variant in disease. Therefore, it has been classified as a Variant of Uncertain Significance.

NM_206965.2(FTCD):c.64G>A (p.Ala22Thr)

Gene: FTCD (formimidoyltransferase cyclodeaminase; minus strand). Cytogenetic location: 21q22.3.
Variant type: single nucleotide variant.
Coding change: c.64G>A on transcript NM_206965.2 (MANE Select); coding-DNA position 64, G replaced by A.
Protein change: p.Ala22Thr; replaces alanine 22 with threonine.
Molecular consequence: missense variant.
Genome position (GRCh38, 1-based): chr21:46,154,323, C>T on the plus strand (G>A on the coding strand, the complement: FTCD is on the minus strand). VCF-style: chr21-46154323-C-T. GRCh37 (hg19) VCF-style: chr21-47574237-C-T.
Other names: c.64G>A, p.Ala22Thr (NM_001320412.2, NM_006657.3); short protein forms A22T.
Identifiers: ClinVar variation 2139974 (VCV002139974.4), dbSNP rs769270784, ClinGen allele CA10074073.